The following is an entry in ClinVar:

ClinVar aggregate classification (germline): Uncertain significance. Review status: criteria provided, multiple submitters, no conflicts (2 of 4 stars). 2 submissions from 2 submitters: Uncertain significance (2). Last evaluated 2025-01-29.

Allele frequency attached by ClinVar (database versions not stated): ExAC 0.00004; ESP Exome Variant Server 0.00023; TOPMed 0.00014.
gnomAD v4.1: 46 of 1,610,476 alleles (0.0029%); highest among the groups gnomAD compares: African/African-American, 0.039%; no homozygotes.

Submissions (2):

Dasa
Classification: Uncertain significance. Last evaluated: 2025-01-29. Review status: criteria provided, single submitter. Criteria: DASA Assertion Criteria. Collection method: clinical testing. Allele origin: germline.
Comment: NM_178862.3(STT3B):c.1930G>T (p.Ala644Ser) is a missense variant that results in the substitution of alanine with serine. This variant is rare in population databases. Computational prediction algorithms are consistent with a benign effect. The currently available literature and clinical evidence are not sufficient to establish a definitive association between this variant and the reported condition. Therefore, this variant is classified as a variant of uncertain significance.

Ambry Genetics
Classification: Uncertain significance. Last evaluated: 2021-08-10. Review status: criteria provided, single submitter. Criteria: Ambry Variant Classification Scheme 2023. Collection method: clinical testing. Allele origin: germline.

NM_178862.3(STT3B):c.1930G>T (p.Ala644Ser)

Gene: STT3B (STT3 oligosaccharyltransferase complex catalytic subunit B; plus strand). Cytogenetic location: 3p23.
Variant type: single nucleotide variant.
Coding change: c.1930G>T on transcript NM_178862.3 (MANE Select); coding-DNA position 1930, G replaced by T.
Protein change: p.Ala644Ser; replaces alanine 644 with serine.
Molecular consequence: missense variant.
Genome position (GRCh38, 1-based): chr3:31,625,984, G>T. VCF-style: chr3-31625984-G-T. GRCh37 (hg19) VCF-style: chr3-31667476-G-T.
Other names: short protein forms A644S.
Identifiers: ClinVar variation 2363218 (VCV002363218.4), dbSNP rs368392285, ClinGen allele CA2295321.